The following is an entry in ClinVar:

ClinVar aggregate classification (germline): Conflicting classifications of pathogenicity. Review status: criteria provided, conflicting classifications (1 of 4 stars). 3 submissions from 3 submitters: Likely pathogenic (1); Uncertain significance (1). 1 of the submissions does not count toward it. Last evaluated 2024-12-09.

Conditions:
CHD7-related CHARGE syndrome. Identifiers: MedGen CN380413, MONDO:1010178, OMIM 214800.
CHARGE syndrome (CHARGE). Also called: Hittner Hirsch Kreh syndrome; CHARGE ASSOCIATION--COLOBOMA, HEART ANOMALY, CHOANAL ATRESIA, RETARDATION, GENITAL AND EAR ANOMALIES; Coloboma, heart anomaly, choanal atresia, retardation, genital and ear anomalies; CHARGE association; Hall-Hittner syndrome. Identifiers: Orphanet 138, MedGen C0265354, MONDO:0008965.

Submissions (3):

Victorian Clinical Genetics Services, Murdoch Childrens Research Institute
Classification: Likely pathogenic for CHD7-related CHARGE syndrome. Last evaluated: 2024-12-09. Review status: criteria provided, single submitter. Criteria: ACMG Guidelines, 2015. Collection method: clinical testing. Allele origin: germline. Affected: yes.
Comment: This variant is classified as Likely pathogenic. Evidence in support of pathogenic classification: Non-canonical splice site variant without proven consequence on splicing (no functional evidence available); Variant is absent from gnomAD (v2, v3 and v4); Abnormal splicing is predicted by in silico tool and affected nucleotide is highly conserved; Additional information: This variant is heterozygous; This gene is associated with autosomal dominant disease; Previous evidence of pathogenicity for this variant is inconclusive. It has been classified once as a variant of uncertain significance by a clinical laboratory (ClinVar); No published segregation evidence has been identified for this variant; No published functional evidence has been identified for this variant; No comparable non-canonical splice region variants have previous evidence for pathogenicity; Loss of function is a known mechanism of disease in this gene and is associated with CHARGE syndrome (MIM#214800) and hypogonadotropic hypogonadism 5 with or without anosmia (MIM#612370) - Variants in this gene are known to have variable expressivity (PMID: 20301296).

Labcorp Genetics (formerly Invitae), Labcorp
Classification: Uncertain significance for CHARGE syndrome. Last evaluated: 2022-12-10. Review status: criteria provided, single submitter. Criteria: Invitae Variant Classification Sherloc (09022015). Collection method: clinical testing. Allele origin: germline.
Comment: This sequence change falls in intron 22 of the CHD7 gene. It does not directly change the encoded amino acid sequence of the CHD7 protein. It affects a nucleotide within the consensus splice site. This variant is not present in population databases (gnomAD no frequency). This variant has not been reported in the literature in individuals affected with CHD7-related conditions. Variants that disrupt the consensus splice site are a relatively common cause of aberrant splicing (PMID: 17576681, 9536098). Algorithms developed to predict the effect of sequence changes on RNA splicing suggest that this variant may disrupt the consensus splice site. In summary, the available evidence is currently insufficient to determine the role of this variant in disease. Therefore, it has been classified as a Variant of Uncertain Significance.

Medical Genetics and Prenatal Diagnosis Center, The Third Affiliated Hospital of Zhengzhou University
Classification: Likely pathogenic for CHD7-related CHARGE syndrome. Review status: no assertion criteria provided. Collection method: clinical testing. Allele origin: de novo. Affected: yes. Not counted in ClinVar's aggregate classification.
Comment: This variant was not reported in population-based cohorts in the Genome Aggregation Database (gnomAD).(PM2) Variant is predicted splicing: scSNV-ADA = 0.999983 is greater than 0.999925, and LOF in gene CHD7 is known to cause disease (gene has 743 reported pathogenic LOF variants).(PP3_Strong)

Literature cited by the submitters: PubMed 20301296 (cited by Victorian Clinical Genetics Services, Murdoch Childrens Research Institute); PubMed 17576681 (cited by Labcorp Genetics (formerly Invitae), Labcorp); PubMed 9536098 (cited by Labcorp Genetics (formerly Invitae), Labcorp).

NM_017780.4(CHD7):c.5050+5G>T

Gene: CHD7 (chromodomain helicase DNA binding protein 7; plus strand). Cytogenetic location: 8q12.2.
Variant type: single nucleotide variant.
Coding change: c.5050+5G>T on transcript NM_017780.4 (MANE Select); 5 bases into the intron after coding-DNA position 5050, G replaced by T.
Molecular consequence: intron variant.
Genome position (GRCh38, 1-based): chr8:60,845,068, G>T. VCF-style: chr8-60845068-G-T. GRCh37 (hg19) VCF-style: chr8-61757627-G-T.
Other names: c.1717-17161G>T (NM_001316690.1).
Identifiers: ClinVar variation 2819910 (VCV002819910.5), dbSNP rs2487971762, ClinGen allele CA2739268788.
Genomic context (GRCh38, chr8:60,845,068, plus strand): 5'-GGATCTGATCACACCCACAGCGGATGGCCAGACTCGAGCCTTGGTCAACCATTCCGGTAG[G>T]TCTCCACCATGCTGTTTGTGCTACAGGGTCACAAAGCCACCAGGAACTTTTGTGACACAC-3'